The following is an entry in ClinVar:

ClinVar aggregate classification (germline): Uncertain significance (1 of 4 stars; one submission).

Conditions:
Hereditary cancer-predisposing syndrome. Also called: Neoplastic Syndromes, Hereditary; Tumor predisposition; Hereditary neoplastic syndrome; Hereditary Cancer Syndrome. Identifiers: Orphanet 140162, MedGen C0027672, MeSH D009386, MONDO:0015356.

gnomAD v4.1: 2 of 1,613,504 alleles (0.00012%); highest among the groups gnomAD compares: Non-Finnish European, 0.000085%; no homozygotes.

Submission:

Ambry Genetics
Classification: Uncertain significance for Hereditary cancer-predisposing syndrome. Last evaluated: 2026-08-18. Review status: criteria provided, single submitter. Criteria: Ambry Variant Classification Scheme 2023. Collection method: clinical testing. Allele origin: germline.
Comment: The c.-3A>G variant is located in the 5' untranslated region (5&rsquo; UTR) of the SMARCA4 gene. This variant results from an A to G substitution 3 bases upstream from the first translated codon. This nucleotide position is well conserved in available vertebrate species. Based on the available evidence, the clinical significance of this variant remains unclear.

NM_003072.5(SMARCA4):c.-3A>G

Gene: SMARCA4 (SWI/SNF related BAF chromatin remodeling complex subunit ATPase 4; plus strand). Cytogenetic location: 19p13.2.
Variant type: single nucleotide variant.
Coding change: c.-3A>G on transcript NM_003072.5 (MANE Select); 3 bases upstream of the start codon, A replaced by G.
Molecular consequence: 5 prime UTR variant. On other transcripts: non-coding transcript variant (1).
Genome position (GRCh38, 1-based): chr19:10,984,149, A>G. VCF-style: chr19-10984149-A-G. GRCh37 (hg19) VCF-style: chr19-11094825-A-G.
Other names: c.-3A>G (NM_001128844.3, NM_001128845.2, NM_001128846.2 and 6 more transcripts).
Identifiers: ClinVar variation 5029807 (VCV005029807.1).